The following is an entry in ClinVar:

NM_024408.4(NOTCH2):c.1775C>A (p.Thr592Asn)

Gene: NOTCH2 (notch receptor 2; minus strand). Cytogenetic location: 1p12.
Variant type: single nucleotide variant.
Coding change: c.1775C>A on transcript NM_024408.4 (MANE Select); coding-DNA position 1775, C replaced by A.
Protein change: p.Thr592Asn; replaces threonine 592 with asparagine.
Molecular consequence: missense variant.
Genome position (GRCh38, 1-based): chr1:119,963,714, G>T on the plus strand (C>A on the coding strand, the complement: NOTCH2 is on the minus strand). VCF-style: chr1-119963714-G-T. GRCh37 (hg19) VCF-style: chr1-120506337-G-T.
Other names: c.1775C>A, p.Thr592Asn (NM_001200001.2); short protein forms T592N.
Identifiers: ClinVar variation 947084 (VCV000947084.12), dbSNP rs1651030166, ClinGen allele CA341873582.

ClinVar aggregate classification (germline): Uncertain significance. Review status: criteria provided, multiple submitters, no conflicts (2 of 4 stars). 2 submissions from 2 submitters: Uncertain significance (2). Last evaluated 2023-04-10.

Conditions:
Hajdu-Cheney syndrome (HJCYS). Also called: SERPENTINE FIBULA-POLYCYSTIC KIDNEY SYNDROME; ACROOSTEOLYSIS WITH OSTEOPOROSIS AND CHANGES IN SKULL AND MANDIBLE; Acroosteolysis dominant type. Identifiers: Orphanet 955, MedGen C0917715, MONDO:0007057, OMIM 102500.

Submissions (2):

Labcorp Genetics (formerly Invitae), Labcorp
Classification: Uncertain significance for Hajdu-Cheney syndrome. Last evaluated: 2023-04-10. Review status: criteria provided, single submitter. Criteria: Invitae Variant Classification Sherloc (09022015). Collection method: clinical testing. Allele origin: germline.
Comment: In summary, the available evidence is currently insufficient to determine the role of this variant in disease. Therefore, it has been classified as a Variant of Uncertain Significance. An algorithm developed to predict the effect of missense changes on protein structure and function (PolyPhen-2) suggests that this variant is likely to be disruptive. ClinVar contains an entry for this variant (Variation ID: 947084). This variant has not been reported in the literature in individuals affected with NOTCH2-related conditions. This variant is not present in population databases (gnomAD no frequency). This sequence change replaces threonine, which is neutral and polar, with asparagine, which is neutral and polar, at codon 592 of the NOTCH2 protein (p.Thr592Asn).

GeneDx
Classification: Uncertain significance. Last evaluated: 2022-05-05. Review status: criteria provided, single submitter. Criteria: GeneDx Variant Classification Process June 2021. Collection method: clinical testing. Allele origin: germline. Affected: yes.
Comment: Not observed at significant frequency in large population cohorts (gnomAD); In silico analysis supports that this missense variant has a deleterious effect on protein structure/function; Has not been previously published as pathogenic or benign to our knowledge